The following is an entry in ClinVar:

ClinVar aggregate classification (germline): Pathogenic. Review status: reviewed by expert panel (3 of 4 stars). 5 submissions from 5 submitters: Pathogenic (1). 4 of the submissions do not count toward it. Last evaluated 2025-04-16.

Conditions:
Very long chain acyl-CoA dehydrogenase deficiency (ACADVLD). Also called: Very Long-Chain Acyl-Coenzyme A Dehydrogenase Deficiency; VLCAD Deficiency. Identifiers: Orphanet 26793, MedGen C3887523, MONDO:0008723, OMIM 201475.

Submissions (5):

ClinGen ACADVL Variant Curation Expert Panel, ClinGen
Classification: Pathogenic for Very long chain acyl-CoA dehydrogenase deficiency. Last evaluated: 2025-04-16. Review status: reviewed by expert panel. Criteria: ClinGen ACADVL ACMG Specifications ACADVL V2.1. Collection method: curation. Allele origin: germline. Inheritance: Autosomal recessive inheritance.
Comment: The c.1313G>A variant in ACADVL is a missense variant predicted to cause substitution of Glycine by Glutamic Acid at amino acid 438 (p.Gly438Glu). The variant has been identified in four alleles in two individuals identified by a retrospective observational cross-sectional study conducted on 14 patients with very long chain acyl CoA dehydrogenase (VLCAD) deficiency. Patients in this cohort presented in the neonatal period either by newborn screening or clinically with hypoglycemia, cardiomyopathy, and rhabdomyolysis (PMID: 32518924). Two siblings with this variant displayed c14:1>1, which is highly specific for VLCAD deficiency (PP4_Moderate). The variant has been reported to segregate with VLCAD deficiency in 2 affected Siblings in the family (PP1). This variant is absent from gnomAD v4.1.0 (PM2_Supporting). The variant resides near amino acid codon 441 of ACADVL, adjacent to FAD binding, on dimer formation loop, that is defined as a mutational hotspot by the ClinGen ACADVL Variant Curation Expert Panel (PM1; PMIDs: 20060901). The computational predictor REVEL gives a score of 0.98, which is above the threshold of 0.75, evidence that correlates with impact to ACADVL function (PP3). In summary, this variant meets the criteria to be classified as likely pathogenic for autosomal recessive very long chain acyl-CoA dehydrogenase (VLCAD) deficiency based on the ACMG/AMP criteria applied, as specified by the ClinGen ACADVL Variant Curation Expert Panel: PM1, PM2_Supporting, PP3, PP4_Moderate (ACADVL VCEP specifications version 2.1.0; approved September 4, 2025).

Natera, Inc.
Classification: Likely pathogenic for Very long chain acyl-CoA dehydrogenase deficiency. Last evaluated: 2025-12-12. Review status: criteria provided, single submitter. Criteria: Natera Variant Classification Schema (03/2026). Collection method: clinical testing. Allele origin: germline. Not counted in ClinVar's aggregate classification.
Comment: The c.1313G>A variant in ACADVL is a missense variant predicted to cause substitution of glycine to glutamic acid at amino acid 438. This variant is rare in the general population with a frequency below the threshold expected for the associated phenotype(s). This variant has been observed in one or more individuals affected with the associated recessive disease, as either homozygous or compound heterozygous with a second variant (PMID: 32518924). Additionally, this variant has been observed to segregate in affected family members (PMID: 32518924). This variant has been identified in one or more affected individual with a phenotype highly consistent with the associated gene (PMID: 32518924). Computational prediction algorithms indicate this variant is likely to affect gene or protein function. Given the available evidence, this variant is classified as Likely Pathogenic.

Genomic Medicine Center of Excellence, King Faisal Specialist Hospital and Research Centre
Classification: Likely pathogenic for Very long chain acyl-CoA dehydrogenase deficiency. Last evaluated: 2024-12-19. Review status: criteria provided, single submitter. Criteria: ACMG Guidelines, 2015. Collection method: clinical testing. Allele origin: germline. Not counted in ClinVar's aggregate classification.

Labcorp Genetics (formerly Invitae), Labcorp
Classification: Likely pathogenic for Very long chain acyl-CoA dehydrogenase deficiency. Last evaluated: 2022-10-17. Review status: criteria provided, single submitter. Criteria: Invitae Variant Classification Sherloc (09022015). Collection method: clinical testing. Allele origin: germline. Not counted in ClinVar's aggregate classification.
Comment: In summary, the currently available evidence indicates that the variant is pathogenic, but additional data are needed to prove that conclusively. Therefore, this variant has been classified as Likely Pathogenic. Algorithms developed to predict the effect of sequence changes on RNA splicing suggest that this variant may create or strengthen a splice site. Advanced modeling of protein sequence and biophysical properties (such as structural, functional, and spatial information, amino acid conservation, physicochemical variation, residue mobility, and thermodynamic stability) performed at Invitae indicates that this missense variant is expected to disrupt ACADVL protein function. ClinVar contains an entry for this variant (Variation ID: 474882). This missense change has been observed in individual(s) with very long chain acyl-CoA dehydrogenase deficiency (Invitae). In at least one individual the data is consistent with being in trans (on the opposite chromosome) from a pathogenic variant. This variant is not present in population databases (gnomAD no frequency). This sequence change replaces glycine, which is neutral and non-polar, with glutamic acid, which is acidic and polar, at codon 438 of the ACADVL protein (p.Gly438Glu).

Baylor Genetics
Classification: Likely pathogenic for Very long chain acyl-CoA dehydrogenase deficiency. Last evaluated: 2020-01-27. Review status: criteria provided, single submitter. Criteria: ACMG Guidelines, 2015. Collection method: clinical testing. Allele origin: unknown. Affected: yes. Not counted in ClinVar's aggregate classification.
Comment: This variant was determined to be likely pathogenic according to ACMG Guidelines, 2015 [PMID:25741868].

Literature cited by the submitters: PubMed 32518924 (cited by Natera, Inc.).

NM_000018.4(ACADVL):c.1313G>A (p.Gly438Glu)

Gene: ACADVL (acyl-CoA dehydrogenase very long chain; plus strand). Cytogenetic location: 17p13.1.
Variant type: single nucleotide variant.
Coding change: c.1313G>A on transcript NM_000018.4 (MANE Select); coding-DNA position 1313, G replaced by A.
Protein change: p.Gly438Glu; replaces glycine 438 with glutamic acid.
Molecular consequence: missense variant.
Genome position (GRCh38, 1-based): chr17:7,223,856, G>A. VCF-style: chr17-7223856-G-A. GRCh37 (hg19) VCF-style: chr17-7127175-G-A.
Other names: NM_000018.4(ACADVL):c.1313G>A; p.Gly438Glu; c.1247G>A, p.Gly416Glu (NM_001033859.3); c.1382G>A, p.Gly461Glu (NM_001270447.2); c.1085G>A, p.Gly362Glu (NM_001270448.2); short protein forms G438E, G362E, G461E, G416E.
Identifiers: ClinVar variation 474882 (VCV000474882.14), dbSNP rs748450834, ClinGen allele CA397724846.